The following is an entry in ClinVar:

ClinVar aggregate classification (germline): Uncertain significance (1 of 4 stars; one submission).

Conditions:
H syndrome. Also called: HISTIOCYTOSIS AND LYMPHADENOPATHY WITH OR WITHOUT CUTANEOUS, CARDIAC, AND/OR ENDOCRINE FEATURES, JOINT CONTRACTURES, AND/OR DEAFNESS; HYPERPIGMENTATION, CUTANEOUS, WITH HYPERTRICHOSIS, HEPATOSPLENOMEGALY, HEART ANOMALIES, AND HYPOGONADISM WITH OR WITHOUT HEARING LOSS; PIGMENTED HYPERTRICHOSIS WITH INSULIN-DEPENDENT DIABETES MELLITUS; ROSAI-DORFMAN DISEASE, FAMILIAL; SINUS HISTIOCYTOSIS AND MASSIVE LYMPHADENOPATHY; Hyperpigmentation, Cutaneous, with Hypertrichosis, Hepatosplenomegaly, Heart Anomalies, Hearing Loss, and Hypogonadism. Identifiers: Orphanet 168569, MedGen C1864445, MONDO:0011273, OMIM 602782.

Allele frequency attached by ClinVar (database versions not stated): TOPMed below 0.00001; gnomAD 0.00001.
gnomAD v4.1: 1 of 1,612,914 alleles (0.000062%); highest among the groups gnomAD compares: Admixed American, 0.0017%; no homozygotes.

Submission:

Labcorp Genetics (formerly Invitae), Labcorp
Classification: Uncertain significance for H syndrome. Last evaluated: 2021-10-02. Review status: criteria provided, single submitter. Criteria: Invitae Variant Classification Sherloc (09022015). Collection method: clinical testing. Allele origin: germline.
Comment: This sequence change falls in intron 3 of the SLC29A3 gene. It does not directly change the encoded amino acid sequence of the SLC29A3 protein. This variant is not present in population databases (ExAC no frequency). This variant has not been reported in the literature in individuals affected with SLC29A3-related conditions. Algorithms developed to predict the effect of sequence changes on RNA splicing suggest that this variant may create or strengthen a splice site. In summary, the available evidence is currently insufficient to determine the role of this variant in disease. Therefore, it has been classified as a Variant of Uncertain Significance.

NM_018344.6(SLC29A3):c.384-17T>A

Gene: SLC29A3 (solute carrier family 29 member 3; plus strand). Cytogenetic location: 10q22.1.
Variant type: single nucleotide variant.
Coding change: c.384-17T>A on transcript NM_018344.6 (MANE Select); 17 bases into the intron before coding-DNA position 384, T replaced by A.
Molecular consequence: intron variant.
Genome position (GRCh38, 1-based): chr10:71,351,545, T>A. VCF-style: chr10-71351545-T-A. GRCh37 (hg19) VCF-style: chr10-73111302-T-A.
Other names: c.150-17T>A (NM_001363518.2); c.384-17T>A (NM_001174098.2).
Identifiers: ClinVar variation 1483581 (VCV001483581.3), dbSNP rs1846758379, ClinGen allele CA929762591.